The following is an entry in ClinVar:

ClinVar aggregate classification (germline): Uncertain significance (1 of 4 stars; one submission).

Submission:

Labcorp Genetics (formerly Invitae), Labcorp
Classification: Uncertain significance. Last evaluated: 2023-03-08. Review status: criteria provided, single submitter. Criteria: Invitae Variant Classification Sherloc (09022015). Collection method: clinical testing. Allele origin: germline.
Comment: In summary, the available evidence is currently insufficient to determine the role of this variant in disease. Therefore, it has been classified as a Variant of Uncertain Significance. Advanced modeling of protein sequence and biophysical properties (such as structural, functional, and spatial information, amino acid conservation, physicochemical variation, residue mobility, and thermodynamic stability) performed at Invitae indicates that this missense variant is expected to disrupt POLE protein function. This variant has not been reported in the literature in individuals affected with POLE-related conditions. This variant is not present in population databases (gnomAD no frequency). This sequence change replaces proline, which is neutral and non-polar, with histidine, which is basic and polar, at codon 1164 of the POLE protein (p.Pro1164His).

NM_006231.4(POLE):c.3491C>A (p.Pro1164His)

Gene: POLE (DNA polymerase epsilon, catalytic subunit; minus strand). Cytogenetic location: 12q24.33.
Variant type: single nucleotide variant.
Coding change: c.3491C>A on transcript NM_006231.4 (MANE Select); coding-DNA position 3491, C replaced by A.
Protein change: p.Pro1164His; replaces proline 1164 with histidine.
Molecular consequence: missense variant.
Genome position (GRCh38, 1-based): chr12:132,657,227, G>T on the plus strand (C>A on the coding strand, the complement: POLE is on the minus strand). VCF-style: chr12-132657227-G-T. GRCh37 (hg19) VCF-style: chr12-133233813-G-T.
Other names: short protein forms P1164H.
Identifiers: ClinVar variation 2900243 (VCV002900243.3), dbSNP rs2042563717, ClinGen allele CA387388676.